The following is an entry in ClinVar:

ClinVar aggregate classification (germline): Pathogenic (1 of 4 stars; one submission).

Submission:

CeGaT Center for Human Genetics Tuebingen
Classification: Pathogenic. Last evaluated: 2023-06-01. Review status: criteria provided, single submitter. Criteria: CeGaT Center For Human Genetics Tuebingen Variant Classification Criteria Version 2. Collection method: clinical testing. Allele origin: germline. Affected: yes. Observed: 1 variant allele.
Comment: PRR12: PVS1, PM2

NM_020719.3(PRR12):c.2281C>T (p.Gln761Ter)

Gene: PRR12 (proline rich 12; plus strand). Cytogenetic location: 19q13.33.
Variant type: single nucleotide variant.
Coding change: c.2281C>T on transcript NM_020719.3 (MANE Select); coding-DNA position 2281, C replaced by T.
Protein change: p.Gln761Ter; replaces glutamine 761 with a stop codon.
Molecular consequence: nonsense.
Genome position (GRCh38, 1-based): chr19:49,596,616, C>T. VCF-style: chr19-49596616-C-T. GRCh37 (hg19) VCF-style: chr19-50099873-C-T.
Other names: short protein forms Q761*.
Identifiers: ClinVar variation 2571051 (VCV002571051.27), dbSNP rs2514272497, ClinGen allele CA406871363.